The following is an entry in ClinVar:

NM_003924.4(PHOX2B):c.649G>T (p.Gly217Trp)

Gene: PHOX2B (paired like homeobox 2B; minus strand). Cytogenetic location: 4p13.
Variant type: single nucleotide variant.
Coding change: c.649G>T on transcript NM_003924.4 (MANE Select); coding-DNA position 649, G replaced by T.
Protein change: p.Gly217Trp; replaces glycine 217 with tryptophan.
Molecular consequence: missense variant.
Genome position (GRCh38, 1-based): chr4:41,746,103, C>A on the plus strand (G>T on the coding strand, the complement: PHOX2B is on the minus strand). VCF-style: chr4-41746103-C-A. GRCh37 (hg19) VCF-style: chr4-41748120-C-A.
Other names: short protein forms G217W.
Identifiers: ClinVar variation 2625351 (VCV002625351.2), dbSNP rs759792321, ClinGen allele CA356737510.

ClinVar aggregate classification (germline): Uncertain significance (1 of 4 stars; one submission).

Conditions:
Hereditary cancer-predisposing syndrome. Also called: Tumor predisposition; Hereditary Cancer Syndrome; Hereditary neoplastic syndrome; Neoplastic Syndromes, Hereditary. Identifiers: Orphanet 140162, MedGen C0027672, MeSH D009386, MONDO:0015356.

gnomAD v4.1: 3 of 1,540,338 alleles (0.00019%); highest among the groups gnomAD compares: Non-Finnish European, 0.00026%; no homozygotes.

Submission:

Ambry Genetics
Classification: Uncertain significance for Hereditary cancer-predisposing syndrome. Last evaluated: 2023-08-03. Review status: criteria provided, single submitter. Criteria: Ambry Variant Classification Scheme 2023. Collection method: clinical testing. Allele origin: germline.
Comment: The p.G217W variant (also known as c.649G>T), located in coding exon 3 of the PHOX2B gene, results from a G to T substitution at nucleotide position 649. The glycine at codon 217 is replaced by tryptophan, an amino acid with highly dissimilar properties. This amino acid position is conserved. In addition, the in silico prediction for this alteration is inconclusive. Since supporting evidence is limited at this time, the clinical significance of this alteration remains unclear.